The following is an entry in ClinVar:

ClinVar aggregate classification (germline): Uncertain significance (1 of 4 stars; one submission).

Submission:

Labcorp Genetics (formerly Invitae), Labcorp
Classification: Uncertain significance. Last evaluated: 2023-05-15. Review status: criteria provided, single submitter. Criteria: Invitae Variant Classification Sherloc (09022015). Collection method: clinical testing. Allele origin: germline.
Comment: Algorithms developed to predict the effect of missense changes on protein structure and function output the following: SIFT: "Not Available"; PolyPhen-2: "Benign"; Align-GVGD: "Not Available". The proline amino acid residue is found in multiple mammalian species, which suggests that this missense change does not adversely affect protein function. In summary, the available evidence is currently insufficient to determine the role of this variant in disease. Therefore, it has been classified as a Variant of Uncertain Significance. ClinVar contains an entry for this variant (Variation ID: 1518644). This variant has not been reported in the literature in individuals affected with HES7-related conditions. This variant is not present in population databases (gnomAD no frequency). This sequence change replaces leucine, which is neutral and non-polar, with proline, which is neutral and non-polar, at codon 179 of the HES7 protein (p.Leu179Pro).

NM_001165967.2(HES7):c.551T>C (p.Leu184Pro)

Genes: HES7 (hes family bHLH transcription factor 7; minus strand), LOC130060203 (ATAC-STARR-seq lymphoblastoid silent region 8155; plus strand). Cytogenetic location: 17p13.1.
Variant type: single nucleotide variant.
Coding change: c.551T>C on transcript NM_001165967.2 (MANE Select); coding-DNA position 551, T replaced by C.
Protein change: p.Leu184Pro; replaces leucine 184 with proline.
Molecular consequence: missense variant.
Genome position (GRCh38, 1-based): chr17:8,121,713, A>G on the plus strand (T>C on the coding strand, the complement: HES7 is on the minus strand). VCF-style: chr17-8121713-A-G. GRCh37 (hg19) VCF-style: chr17-8025031-A-G.
Other names: c.536T>C, p.Leu179Pro (NM_032580.4); short protein forms L184P, L179P.
Identifiers: ClinVar variation 1518644 (VCV001518644.6), dbSNP rs2151853397, ClinGen allele CA397987571.